The following is an entry in ClinVar:

NM_001267550.2(TTN):c.26740A>G (p.Thr8914Ala)

Gene: TTN (titin; minus strand). Cytogenetic location: 2q31.2.
Variant type: single nucleotide variant.
Coding change: c.26740A>G on transcript NM_001267550.2 (MANE Select); coding-DNA position 26740, A replaced by G.
Protein change: p.Thr8914Ala; replaces threonine 8914 with alanine.
Molecular consequence: missense variant. On other transcripts: intron variant (3).
Genome position (GRCh38, 1-based): chr2:178,713,918, T>C on the plus strand (A>G on the coding strand, the complement: TTN is on the minus strand). VCF-style: chr2-178713918-T-C. GRCh37 (hg19) VCF-style: chr2-179578645-T-C.
Other names: c.25789A>G, p.Thr8597Ala (NM_001256850.1); c.23008A>G, p.Thr7670Ala (NM_133378.4); c.13282+24164A>G (NM_003319.4); c.13858+24164A>G (NM_133437.4); c.13657+24164A>G (NM_133432.3); short protein forms T7670A, T8597A, T8914A.
Identifiers: ClinVar variation 2632283 (VCV002632283.1), dbSNP rs1387091014, ClinGen allele CA349463043.
Genomic context (GRCh38, chr2:178,713,918, plus strand): 5'-ATTATAATGATGAAGGAAAAGCCCAAGAAATCAACCAACCTGAAACCTGCAATGAAGCTG[T>C]GCAGCTGTCTTTGCCAACAGGGTTCTGCACCTCAAAACTGTATACCCCACTGTCACTCGG-3'
Protein context (NP_001254479.2, residues 8904-8924): VQNPVGKDSC[Thr8914Ala]ASLQVSDRTV

ClinVar aggregate classification (germline): Uncertain significance (1 of 4 stars; one submission).

Conditions:
TTN-related disorder. Also called: TTN-related condition; TTN-related disease; TTN-related disorders.

Allele frequency attached by ClinVar (database versions not stated): gnomAD exomes below 0.00001; TOPMed below 0.00001; gnomAD 0.00001.
gnomAD v4.1: 2 of 1,613,448 alleles (0.00012%); highest among the groups gnomAD compares: Admixed American, 0.0033%; no homozygotes.

Submission:

PreventionGenetics, part of Exact Sciences
Classification: Uncertain significance for TTN-related condition. Last evaluated: 2023-05-26. Review status: criteria provided, single submitter. Criteria: ACMG Guidelines, 2015. Collection method: clinical testing. Allele origin: germline.
Comment: The TTN c.26740A>G variant is predicted to result in the amino acid substitution p.Thr8914Ala. To our knowledge, this variant has not been reported in the literature. This variant is reported in 0.0029% of alleles in individuals of Latino descent in gnomAD. At this time, the clinical significance of this variant is uncertain due to the absence of conclusive functional and genetic evidence.